The following is an entry in ClinVar:

NM_000883.4(IMPDH1):c.*137G>C

Gene: IMPDH1 (inosine monophosphate dehydrogenase 1; minus strand). Cytogenetic location: 7q32.1.
Variant type: single nucleotide variant.
Coding change: c.*137G>C on transcript NM_000883.4 (MANE Select); 137 bases downstream of the stop codon, G replaced by C.
Molecular consequence: 3 prime UTR variant.
Genome position (GRCh38, 1-based): chr7:128,392,870, C>G on the plus strand (G>C on the coding strand, the complement: IMPDH1 is on the minus strand). VCF-style: chr7-128392870-C-G. GRCh37 (hg19) VCF-style: chr7-128032924-C-G.
Other names: c.*137G>C (NM_001102605.2, NM_001142573.2, NM_001142574.2 and 4 more transcripts).
Identifiers: ClinVar variation 909849 (VCV000909849.5), dbSNP rs72624973, ClinGen allele CA166119682.
Genomic context (GRCh38, chr7:128,392,870, plus strand): 5'-GGGAGCAGTCCTGACTCTGCAGGGGATGCCGAGTGAGGGGCAGCAGTCCCCTCAGGACCT[C>G]CCCTCCTCTCTGCCTGGAAAGGAGCTGGAGAACCCGTAGTGCAAATCTGTGGACCACTCA-3'

ClinVar aggregate classification (germline): Uncertain significance. Review status: criteria provided, multiple submitters, no conflicts (2 of 4 stars). 3 submissions from 2 submitters: Uncertain significance (3). Last evaluated 2017-04-27.

Conditions:
Retinitis pigmentosa (RP). Identifiers: Orphanet 791, MedGen C0035334, MeSH D012174, MONDO:0019200, OMIM 268000. Inheritance: Autosomal dominant, autosomal recessive and X linked inheritance.
Leber congenital amaurosis 11 (LCA11). Identifiers: Orphanet 65, MedGen C1840284, MONDO:0013454, OMIM 613837.

Allele frequency attached by ClinVar (database versions not stated): TOPMed 0.00022; gnomAD exomes 0.00050; 1000 Genomes Project 0.00060; 1000 Genomes Project 30x 0.00062.
gnomAD v4.1: 384 of 837,850 alleles (0.046%); highest among the groups gnomAD compares: Middle Eastern, 0.34%; 3 homozygotes.

Submissions (3):

Illumina Laboratory Services, Illumina
Classification: Uncertain significance for Retinitis pigmentosa. Last evaluated: 2017-04-27. Review status: criteria provided, single submitter. Criteria: ICSL Variant Classification Criteria 13 December 2019. Collection method: clinical testing. Allele origin: germline.
Comment: This variant was observed as part of a predisposition screen in an ostensibly healthy population. A literature search was performed for the gene, cDNA change, and amino acid change (where applicable). Publications were found based on this search. However, the evidence from the literature, in combination with allele frequency data from public databases where available, was not sufficient to rule this variant in or out of causing disease. Therefore, this variant is classified as a variant of unknown significance.

Illumina Laboratory Services, Illumina
Classification: Uncertain significance for Leber congenital amaurosis 11. Last evaluated: 2017-04-27. Review status: criteria provided, single submitter. Criteria: ICSL Variant Classification Criteria 13 December 2019. Collection method: clinical testing. Allele origin: germline.
Comment: the same text as in the submission from Illumina Laboratory Services, Illumina above.

Breakthrough Genomics
Classification: Uncertain significance. Review status: criteria provided, single submitter. Criteria: ACMG Guidelines, 2015. Collection method: not provided. Allele origin: germline. Inheritance: Autosomal recessive inheritance. Affected: yes.

Literature cited by the submitters: PubMed 20718729 (cited by Illumina Laboratory Services, Illumina).